The following is an entry in ClinVar:

ClinVar aggregate classification (germline): Uncertain significance (1 of 4 stars; one submission).

Conditions:
Inborn genetic diseases. Identifiers: MedGen C0950123, MeSH D030342.

Submission:

Ambry Genetics
Classification: Uncertain significance for Inborn genetic diseases. Last evaluated: 2025-05-23. Review status: criteria provided, single submitter. Criteria: Ambry Variant Classification Scheme 2023. Collection method: clinical testing. Allele origin: germline.
Comment: The p.I251V variant (also known as c.751A>G), located in coding exon 3 of the PIK3CA gene, results from an A to G substitution at nucleotide position 751. The isoleucine at codon 251 is replaced by valine, an amino acid with highly similar properties. This amino acid position is conserved. In addition, this alteration is predicted to be tolerated by in silico analysis. Based on the available evidence, the clinical significance of this variant remains unclear.

NM_006218.4(PIK3CA):c.751A>G (p.Ile251Val)

Gene: PIK3CA (phosphatidylinositol-4,5-bisphosphate 3-kinase catalytic subunit alpha; plus strand). Cytogenetic location: 3q26.32.
Variant type: single nucleotide variant.
Coding change: c.751A>G on transcript NM_006218.4 (MANE Select); coding-DNA position 751, A replaced by G.
Protein change: p.Ile251Val; replaces isoleucine 251 with valine.
Molecular consequence: missense variant.
Genome position (GRCh38, 1-based): chr3:179,201,478, A>G. VCF-style: chr3-179201478-A-G. GRCh37 (hg19) VCF-style: chr3-178919266-A-G.
Other names: short protein forms I251V.
Identifiers: ClinVar variation 3932406 (VCV003932406.1).